The following is an entry in ClinVar:

ClinVar aggregate classification (germline): Benign/Likely benign. Review status: criteria provided, multiple submitters, no conflicts (2 of 4 stars). 3 submissions from 3 submitters: Benign (1); Likely benign (2). Last evaluated 2025-08-11.

Conditions:
Hereditary nonpolyposis colorectal neoplasms. Identifiers: MedGen C0009405, MeSH D003123.
Hereditary cancer-predisposing syndrome. Also called: Hereditary Cancer Syndrome; Hereditary neoplastic syndrome; Neoplastic Syndromes, Hereditary; Tumor predisposition. Identifiers: Orphanet 140162, MedGen C0027672, MeSH D009386, MONDO:0015356.
Lynch syndrome 5 (LYNCH5). Also called: Hereditary non-polyposis colorectal cancer, type 5; Colorectal cancer, hereditary nonpolyposis, type 5. Identifiers: Orphanet 144, MedGen C1833477, MONDO:0013710, OMIM 614350. Disease mechanism: loss of function.

Submissions (3):

Labcorp Genetics (formerly Invitae), Labcorp
Classification: Likely benign for Hereditary nonpolyposis colorectal neoplasms. Last evaluated: 2025-08-11. Review status: criteria provided, single submitter. Criteria: Invitae Variant Classification Sherloc (09022015). Collection method: clinical testing. Allele origin: germline.

Myriad Genetics, Inc.
Classification: Benign for Lynch syndrome 5. Last evaluated: 2024-12-17. Review status: criteria provided, single submitter. Criteria: Myriad Autosomal Dominant, Autosomal Recessive and X-Linked Classification Criteria (2023). Collection method: clinical testing. Allele origin: unknown.
Comment: This variant is considered benign. This variant is a silent/synonymous amino acid change and it is not expected to impact splicing.

Ambry Genetics
Classification: Likely benign for Hereditary cancer-predisposing syndrome. Last evaluated: 2023-02-23. Review status: criteria provided, single submitter. Criteria: Ambry Variant Classification Scheme 2023. Collection method: clinical testing. Allele origin: germline.

NM_000179.3(MSH6):c.198G>T (p.Pro66=)

Gene: MSH6 (mutS homolog 6; plus strand). Cytogenetic location: 2p16.3.
Variant type: single nucleotide variant.
Coding change: c.198G>T on transcript NM_000179.3 (MANE Select); coding-DNA position 198, G replaced by T.
Protein change: p.Pro66=; no amino-acid change (proline 66 retained).
Molecular consequence: synonymous variant. On other transcripts: 5 prime UTR variant (1).
Genome position (GRCh38, 1-based): chr2:47,783,431, G>T. VCF-style: chr2-47783431-G-T. GRCh37 (hg19) VCF-style: chr2-48010570-G-T.
Other names: c.198G>T, p.Pro66= (NM_001281492.2); c.-539G>T (NM_001281493.2).
Identifiers: ClinVar variation 455169 (VCV000455169.12), dbSNP rs1299712565, ClinGen allele CA426120778.